The following is an entry in ClinVar:

NM_001367624.2(ZNF469):c.6451C>A (p.Pro2151Thr)

Gene: ZNF469 (zinc finger protein 469; plus strand). Cytogenetic location: 16q24.2.
Variant type: single nucleotide variant.
Coding change: c.6451C>A on transcript NM_001367624.2 (MANE Select); coding-DNA position 6451, C replaced by A.
Protein change: p.Pro2151Thr; replaces proline 2151 with threonine.
Molecular consequence: missense variant.
Genome position (GRCh38, 1-based): chr16:88,433,921, C>A. VCF-style: chr16-88433921-C-A. GRCh37 (hg19) VCF-style: chr16-88500329-C-A.
Other names: short protein forms P2151T.
Identifiers: ClinVar variation 4764212 (VCV004764212.1).

ClinVar aggregate classification (germline): Uncertain significance (1 of 4 stars; one submission).

gnomAD v4.1: 3 of 1,549,452 alleles (0.00019%); highest among the groups gnomAD compares: Non-Finnish European, 0.00026%; no homozygotes.

Submission:

Labcorp Genetics (formerly Invitae), Labcorp
Classification: Uncertain significance. Last evaluated: 2025-11-23. Review status: criteria provided, single submitter. Criteria: Invitae Variant Classification Sherloc (09022015). Collection method: clinical testing. Allele origin: germline.
Comment: This sequence change replaces proline, which is neutral and non-polar, with threonine, which is neutral and polar, at codon 2123 of the ZNF469 protein (p.Pro2123Thr). This variant is not present in population databases (gnomAD no frequency). This variant has not been reported in the literature in individuals affected with ZNF469-related conditions. An algorithm developed to predict the effect of missense changes on protein structure and function (PolyPhen-2) suggests that this variant is likely to be disruptive. In summary, the available evidence is currently insufficient to determine the role of this variant in disease. Therefore, it has been classified as a Variant of Uncertain Significance.